The following is an entry in ClinVar:

ClinVar aggregate classification (germline): Uncertain significance. Review status: criteria provided, multiple submitters, no conflicts (2 of 4 stars). 2 submissions from 2 submitters: Uncertain significance (2). Last evaluated 2024-11-26.

Submissions (2):

GeneDx
Classification: Uncertain significance. Last evaluated: 2024-11-26. Review status: criteria provided, single submitter. Criteria: GeneDx Variant Classification Process June 2021. Collection method: clinical testing. Allele origin: germline. Affected: yes.
Comment: Not observed at significant frequency in large population cohorts (gnomAD); In silico analysis supports that this missense variant has a deleterious effect on protein structure/function; Has not been previously published as pathogenic or benign to our knowledge

Mayo Clinic Laboratories, Mayo Clinic
Classification: Uncertain significance. Last evaluated: 2024-05-29. Review status: criteria provided, single submitter. Criteria: ACMG Guidelines, 2015. Collection method: clinical testing. Allele origin: germline. Observed: 1 variant allele.
Comment: BP1, PP3, PM2

NM_014244.5(ADAMTS2):c.2776T>C (p.Cys926Arg)

Gene: ADAMTS2 (ADAM metallopeptidase with thrombospondin type 1 motif 2; minus strand). Cytogenetic location: 5q35.3.
Variant type: single nucleotide variant.
Coding change: c.2776T>C on transcript NM_014244.5 (MANE Select); coding-DNA position 2776, T replaced by C.
Protein change: p.Cys926Arg; replaces cysteine 926 with arginine.
Molecular consequence: missense variant.
Genome position (GRCh38, 1-based): chr5:179,125,155, A>G on the plus strand (T>C on the coding strand, the complement: ADAMTS2 is on the minus strand). VCF-style: chr5-179125155-A-G. GRCh37 (hg19) VCF-style: chr5-178552156-A-G.
Other names: p.Cys926Arg; c.2776T>C (NM_014244.4); short protein forms C926R.
Identifiers: ClinVar variation 3379625 (VCV003379625.2).